The following is an entry in ClinVar:

NM_000038.6(APC):c.136-11C>T

Gene: APC (APC regulator of Wnt signaling pathway; plus strand). Cytogenetic location: 5q22.2.
Variant type: single nucleotide variant.
Coding change: c.136-11C>T on transcript NM_000038.6 (MANE Select); 11 bases into the intron before coding-DNA position 136, C replaced by T.
Molecular consequence: intron variant.
Genome position (GRCh38, 1-based): chr5:112,766,315, C>T. VCF-style: chr5-112766315-C-T. GRCh37 (hg19) VCF-style: chr5-112102012-C-T.
Other names: c.-900-11C>T (NM_001407470.1, NM_001407472.1, NM_001354906.2 and 1 more transcripts); c.136-11C>T (NM_001407447.1, NM_001354895.2, NM_001407456.1 and 16 more transcripts); c.166-11C>T (NM_001407446.1, NM_001354897.2, NM_001354902.2 and 1 more transcripts); c.-42-11C>T (NM_001407453.1, NM_001354900.2, NM_001354901.2 and 1 more transcripts); c.61-11C>T (NM_001407451.1, NM_001354898.2, NM_001354904.2).
Identifiers: ClinVar variation 3148767 (VCV003148767.1), dbSNP rs1756312453, ClinGen allele CA1573494821.

ClinVar aggregate classification (germline): Likely benign (1 of 4 stars; one submission).

Conditions:
Familial adenomatous polyposis 1 (FAP1). Also called: POLYPOSIS, ADENOMATOUS INTESTINAL; FAMILIAL ADENOMATOUS POLYPOSIS 1, ATTENUATED. Identifiers: MedGen C2713442, MONDO:0021056, OMIM 175100. Disease mechanism: loss of function.

Submission:

Myriad Genetics, Inc.
Classification: Likely benign for Familial adenomatous polyposis 1. Last evaluated: 2024-02-22. Review status: criteria provided, single submitter. Criteria: Myriad Autosomal Dominant, Autosomal Recessive and X-Linked Classification Criteria (2023). Collection method: clinical testing. Allele origin: unknown.
Comment: This variant is considered likely benign. This variant is intronic and is not expected to impact mRNA splicing.